The following is an entry in ClinVar:

ClinVar aggregate classification (germline): Uncertain significance (1 of 4 stars; one submission).

Conditions:
Hereditary diffuse gastric adenocarcinoma (HDGC). Also called: DIFFUSE GASTRIC AND LOBULAR BREAST CANCER SYNDROME. Identifiers: Orphanet 26106, MedGen C1708349, MONDO:0007648, OMIM 137215.

Submission:

Labcorp Genetics (formerly Invitae), Labcorp
Classification: Uncertain significance for Hereditary diffuse gastric adenocarcinoma. Last evaluated: 2023-12-04. Review status: criteria provided, single submitter. Criteria: Invitae Variant Classification Sherloc (09022015). Collection method: clinical testing. Allele origin: germline.
Comment: This sequence change replaces valine, which is neutral and non-polar, with alanine, which is neutral and non-polar, at codon 51 of the CDH1 protein (p.Val51Ala). This variant is not present in population databases (gnomAD no frequency). This variant has not been reported in the literature in individuals affected with CDH1-related conditions. Algorithms developed to predict the effect of missense changes on protein structure and function output the following: SIFT: "Not Available"; PolyPhen-2: "Benign"; Align-GVGD: "Not Available". The alanine amino acid residue is found in multiple mammalian species, which suggests that this missense change does not adversely affect protein function. In summary, the available evidence is currently insufficient to determine the role of this variant in disease. Therefore, it has been classified as a Variant of Uncertain Significance.

NM_004360.5(CDH1):c.152T>C (p.Val51Ala)

Gene: CDH1 (cadherin 1; plus strand). Cytogenetic location: 16q22.1.
Variant type: single nucleotide variant.
Coding change: c.152T>C on transcript NM_004360.5 (MANE Select); coding-DNA position 152, T replaced by C.
Protein change: p.Val51Ala; replaces valine 51 with alanine.
Molecular consequence: missense variant. On other transcripts: 5 prime UTR variant (2).
Genome position (GRCh38, 1-based): chr16:68,738,400, T>C. VCF-style: chr16-68738400-T-C. GRCh37 (hg19) VCF-style: chr16-68772303-T-C.
Other names: c.152T>C, p.Val51Ala (NM_001317184.2); c.-1464T>C (NM_001317185.2); c.-1668T>C (NM_001317186.2); short protein forms V51A.
Identifiers: ClinVar variation 2700819 (VCV002700819.3), dbSNP rs2152114479, ClinGen allele CA396452293.